The following is an entry in ClinVar:

NM_000059.4(BRCA2):c.4071A>G (p.Leu1357=)

Gene: BRCA2 (BRCA2 DNA repair associated; plus strand). Cytogenetic location: 13q13.1.
Variant type: single nucleotide variant.
Coding change: c.4071A>G on transcript NM_000059.4 (MANE Select); coding-DNA position 4071, A replaced by G.
Protein change: p.Leu1357=; no amino-acid change (leucine 1357 retained).
Molecular consequence: synonymous variant.
Genome position (GRCh38, 1-based): chr13:32,338,426, A>G. VCF-style: chr13-32338426-A-G. GRCh37 (hg19) VCF-style: chr13-32912563-A-G.
Identifiers: ClinVar variation 415672 (VCV000415672.16), dbSNP rs140556653, ClinGen allele CA16613877.
Genomic context (GRCh38, chr13:32,338,426, plus strand): 5'-TGGCAGTGATTCAAGTAAAAATGATACTGTTTGTATTCATAAAGATGAAACGGACTTGCT[A>G]TTTACTGATCAGCACAACATATGTCTTAAATTATCTGGCCAGTTTATGAAGGAGGGAAAC-3'
Protein context (NP_000050.3, residues 1347-1367): VCIHKDETDL[Leu1357=]FTDQHNICLK

ClinVar aggregate classification (germline): Likely benign. Review status: criteria provided, multiple submitters, no conflicts (2 of 4 stars). 6 submissions from 6 submitters: Likely benign (6). Last evaluated 2025-10-01.

Conditions:
Hereditary cancer-predisposing syndrome. Also called: Tumor predisposition; Neoplastic Syndromes, Hereditary; Hereditary neoplastic syndrome; Hereditary Cancer Syndrome. Identifiers: Orphanet 140162, MedGen C0027672, MeSH D009386, MONDO:0015356.
Hereditary breast ovarian cancer syndrome. Also called: Breast and ovarian cancer; Hereditary breast and ovarian cancer; Hereditary breast and/or ovarian cancer syndrome; BRCA1- and BRCA2-Associated Hereditary Breast and Ovarian Cancer; Hereditary breast and ovarian cancer syndrome (HBOC); Hereditary breast and ovarian cancer syndrome. Identifiers: Orphanet 145, MedGen C0677776, MeSH D061325, MONDO:0003582. Disease mechanism: loss of function.

Allele frequency attached by ClinVar (database versions not stated): TOPMed 0.00002.
gnomAD v4.1: 5 of 1,609,296 alleles (0.00031%); highest among the groups gnomAD compares: South Asian, 0.0011%; no homozygotes.

Submissions (6):

Labcorp Genetics (formerly Invitae), Labcorp
Classification: Likely benign for Hereditary breast ovarian cancer syndrome. Last evaluated: 2025-10-01. Review status: criteria provided, single submitter. Criteria: Invitae Variant Classification Sherloc (09022015). Collection method: clinical testing. Allele origin: germline.

Quest Diagnostics Nichols Institute San Juan Capistrano
Classification: Likely benign. Last evaluated: 2023-03-31. Review status: criteria provided, single submitter. Criteria: Quest Diagnostics criteria. Collection method: clinical testing. Allele origin: unknown.

Women's Health and Genetics/Laboratory Corporation of America, LabCorp
Classification: Likely benign. Last evaluated: 2023-03-26. Review status: criteria provided, single submitter. Criteria: LabCorp Variant Classification Summary - May 2015. Collection method: clinical testing. Allele origin: germline.

GeneDx
Classification: Likely benign. Last evaluated: 2017-09-29. Review status: criteria provided, single submitter. Criteria: GeneDx Variant Classification (06012015). Collection method: clinical testing. Allele origin: germline. Affected: yes.
Comment: This variant is considered likely benign or benign based on one or more of the following criteria: it is a conservative change, it occurs at a poorly conserved position in the protein, it is predicted to be benign by multiple in silico algorithms, and/or has population frequency not consistent with disease.

Color Diagnostics, LLC DBA Color Health
Classification: Likely benign for Hereditary cancer-predisposing syndrome. Last evaluated: 2017-08-21. Review status: criteria provided, single submitter. Criteria: ACMG Guidelines, 2015. Collection method: clinical testing. Allele origin: germline.

Ambry Genetics
Classification: Likely benign for Hereditary cancer-predisposing syndrome. Last evaluated: 2015-11-19. Review status: criteria provided, single submitter. Criteria: Ambry Variant Classification Scheme 2023. Collection method: clinical testing. Allele origin: germline.